The following is an entry in ClinVar:

ClinVar aggregate classification (germline): Uncertain significance (1 of 4 stars; one submission).

Conditions:
Generalized epilepsy with febrile seizures plus, type 7 (GEFSP7). Also called: GEFS+, TYPE 7. Identifiers: Orphanet 36387, MedGen C2751778, MONDO:0013470, OMIM 613863.
Neuropathy, hereditary sensory and autonomic, type 2A (HSAN2A). Also called: MORVAN DISEASE; NEUROPATHY, CONGENITAL SENSORY; NEUROPATHY, HEREDITARY SENSORY RADICULAR, AUTOSOMAL RECESSIVE; NEUROPATHY, HEREDITARY SENSORY, TYPE IIA; NEUROPATHY, PROGRESSIVE SENSORY, OF CHILDREN; WNK1-Related HSAN2 (HSAN2A). Identifiers: Orphanet 970, MedGen C2752089, MONDO:0024309, OMIM 201300.

Allele frequency attached by ClinVar (database versions not stated): gnomAD exomes below 0.00001 and 0.00001; TOPMed 0.00001; ExAC 0.00002; gnomAD 0.00002.
gnomAD v4.1: 7 of 1,613,018 alleles (0.00043%); highest among the groups gnomAD compares: African/African-American, 0.0013%; no homozygotes.

Submission:

Labcorp Genetics (formerly Invitae), Labcorp
Classification: Uncertain significance for Neuropathy, hereditary sensory and autonomic, type 2A; Generalized epilepsy with febrile seizures plus, type 7. Last evaluated: 2025-10-29. Review status: criteria provided, single submitter. Criteria: Invitae Variant Classification Sherloc (09022015). Collection method: clinical testing. Allele origin: germline.
Comment: This sequence change replaces glutamic acid, which is acidic and polar, with alanine, which is neutral and non-polar, at codon 811 of the SCN9A protein (p.Glu811Ala). This variant is present in population databases (rs755799553, gnomAD 0.004%). This variant has not been reported in the literature in individuals affected with SCN9A-related conditions. ClinVar contains an entry for this variant (Variation ID: 574951). Invitae Evidence Modeling of protein sequence and biophysical properties (such as structural, functional, and spatial information, amino acid conservation, physicochemical variation, residue mobility, and thermodynamic stability) has been performed for this missense variant. However, the output from this modeling did not meet the statistical confidence thresholds required to predict the impact of this variant on SCN9A protein function. In summary, the available evidence is currently insufficient to determine the role of this variant in disease. Therefore, it has been classified as a Variant of Uncertain Significance.

NM_001365536.1(SCN9A):c.2465A>C (p.Glu822Ala)

Genes: SCN9A (sodium voltage-gated channel alpha subunit 9; minus strand), SCN1A-AS1 (SCN1A and SCN9A antisense RNA 1; plus strand). Cytogenetic location: 2q24.3.
Variant type: single nucleotide variant.
Coding change: c.2465A>C on transcript NM_001365536.1 (MANE Select); coding-DNA position 2465, A replaced by C.
Protein change: p.Glu822Ala; replaces glutamic acid 822 with alanine.
Molecular consequence: missense variant.
Genome position (GRCh38, 1-based): chr2:166,278,192, T>G on the plus strand (A>C on the coding strand, the complement: SCN9A is on the minus strand). VCF-style: chr2-166278192-T-G. GRCh37 (hg19) VCF-style: chr2-167134702-T-G.
Other names: c.2432A>C, p.Glu811Ala (NM_002977.4); short protein forms E811A, E822A.
Identifiers: ClinVar variation 574951 (VCV000574951.12), dbSNP rs755799553, ClinGen allele CA1944267.